The following is an entry in ClinVar:

NM_001845.6(COL4A1):c.4597A>G (p.Met1533Val)

Gene: COL4A1 (collagen type IV alpha 1 chain; minus strand). Cytogenetic location: 13q34.
Variant type: single nucleotide variant.
Coding change: c.4597A>G on transcript NM_001845.6 (MANE Select); coding-DNA position 4597, A replaced by G.
Protein change: p.Met1533Val; replaces methionine 1533 with valine.
Molecular consequence: missense variant.
Genome position (GRCh38, 1-based): chr13:110,161,235, T>C on the plus strand (A>G on the coding strand, the complement: COL4A1 is on the minus strand). VCF-style: chr13-110161235-T-C. GRCh37 (hg19) VCF-style: chr13-110813582-T-C.
Other names: short protein forms M1533V.
Identifiers: ClinVar variation 2661989 (VCV002661989.1), dbSNP rs2501734848, ClinGen allele CA388657142.
Genomic context (GRCh38, chr13:110,161,235, plus strand): 5'-ACAGATGCTCGACTCACCTACTAATAAATGGTCTTATGTTTTCCCCCGTGATGGGTGCCA[T>C]TGACATGGGCATGGGCTCAGGGGTGGACAGCCAGTACGAGTAGTCATTTCGTGATGCAAA-3'
Protein context (NP_001836.3, residues 1523-1543): LSTPEPMPMS[Met1533Val]APITGENIRP

ClinVar aggregate classification (germline): Uncertain significance (1 of 4 stars; one submission).

Submission:

GeneDx
Classification: Uncertain significance. Last evaluated: 2023-04-14. Review status: criteria provided, single submitter. Criteria: GeneDx Variant Classification Process June 2021. Collection method: clinical testing. Allele origin: germline. Affected: yes.
Comment: Not observed at significant frequency in large population cohorts (gnomAD); In silico analysis supports that this missense variant has a deleterious effect on protein structure/function; Has not been previously published as pathogenic or benign to our knowledge